The following is an entry in ClinVar:

NM_001999.4(FBN2):c.3514G>T (p.Gly1172Cys)

Gene: FBN2 (fibrillin 2; minus strand). Cytogenetic location: 5q23.3.
Variant type: single nucleotide variant.
Coding change: c.3514G>T on transcript NM_001999.4 (MANE Select); coding-DNA position 3514, G replaced by T.
Protein change: p.Gly1172Cys; replaces glycine 1172 with cysteine.
Molecular consequence: missense variant.
Genome position (GRCh38, 1-based): chr5:128,338,081, C>A on the plus strand (G>T on the coding strand, the complement: FBN2 is on the minus strand). VCF-style: chr5-128338081-C-A. GRCh37 (hg19) VCF-style: chr5-127673773-C-A.
Other names: short protein forms G1172C.
Identifiers: ClinVar variation 487464 (VCV000487464.1), dbSNP rs138303817, ClinGen allele CA360759437.
Genomic context (GRCh38, chr5:128,338,081, plus strand): 5'-ACAGCTCGTGTCCCAGTGGGCAGTCACACTGAAAGCTGCCCTCAGTGTTCACACAGGTGC[C>A]ACCCCTACAAAGGAGAGGGTTACGTTCACATTCGTCAATGTCTGAAAGGTAAAAACGTGA-3'
Protein context (NP_001990.2, residues 1162-1182): CERNPLLCRG[Gly1172Cys]TCVNTEGSFQ

ClinVar aggregate classification (germline): Likely pathogenic (1 of 4 stars; one submission).

Conditions:
Congenital contractural arachnodactyly (CCA). Also called: BEALS SYNDROME; Beals-Hecht syndrome; Arthrogryposis, distal, type 9. Identifiers: Orphanet 115, MedGen C0220668, MONDO:0007363, OMIM 121050.

Submission:

Center for Genomics, Ann and Robert H. Lurie Children's Hospital of Chicago
Classification: Likely pathogenic for Congenital contractural arachnodactyly. Last evaluated: 2017-08-01. Review status: criteria provided, single submitter. Criteria: ACMG Guidelines, 2015. Collection method: clinical testing. Allele origin: germline.
Comment: This variant is not present in large control databases. Evolutionary conservation and computational predictive tools suggest that this variant may impact the protein. In summary, data on this variant is highly suspicious for disease, but requires further evidence for pathogenicity. Therefore, this variant classified as likely pathogenic.